The following is an entry in ClinVar:

ClinVar aggregate classification (germline): Likely benign (1 of 4 stars; one submission).

Submission:

CeGaT Center for Human Genetics Tuebingen
Classification: Likely benign. Last evaluated: 2024-10-01. Review status: criteria provided, single submitter. Criteria: CeGaT Center For Human Genetics Tuebingen Variant Classification Criteria Version 2. Collection method: clinical testing. Allele origin: germline. Affected: yes. Observed: 1 variant allele.
Comment: AHNAK2: BP4, BP7

NM_138420.4(AHNAK2):c.6300A>G (p.Leu2100=)

Gene: AHNAK2 (AHNAK nucleoprotein 2; minus strand). Cytogenetic location: 14q32.33.
Variant type: single nucleotide variant.
Coding change: c.6300A>G on transcript NM_138420.4 (MANE Select); coding-DNA position 6300, A replaced by G.
Protein change: p.Leu2100=; no amino-acid change (leucine 2100 retained).
Molecular consequence: synonymous variant.
Genome position (GRCh38, 1-based): chr14:104,949,151, T>C on the plus strand (A>G on the coding strand, the complement: AHNAK2 is on the minus strand). VCF-style: chr14-104949151-T-C. GRCh37 (hg19) VCF-style: chr14-105415488-T-C.
Other names: c.6000A>G, p.Leu2000= (NM_001350929.2).
Identifiers: ClinVar variation 3388955 (VCV003388955.14).